The following is an entry in ClinVar:

NM_006231.4(POLE):c.4425G>T (p.Gln1475His)

Gene: POLE (DNA polymerase epsilon, catalytic subunit; minus strand). Cytogenetic location: 12q24.33.
Variant type: single nucleotide variant.
Coding change: c.4425G>T on transcript NM_006231.4 (MANE Select); coding-DNA position 4425, G replaced by T.
Protein change: p.Gln1475His; replaces glutamine 1475 with histidine.
Molecular consequence: missense variant.
Genome position (GRCh38, 1-based): chr12:132,643,426, C>A on the plus strand (G>T on the coding strand, the complement: POLE is on the minus strand). VCF-style: chr12-132643426-C-A. GRCh37 (hg19) VCF-style: chr12-133220012-C-A.
Other names: short protein forms Q1475H.
Identifiers: ClinVar variation 1361417 (VCV001361417.8), dbSNP rs1019624446, ClinGen allele CA246304720.

ClinVar aggregate classification (germline): Uncertain significance. Review status: criteria provided, multiple submitters, no conflicts (2 of 4 stars). 2 submissions from 2 submitters: Uncertain significance (2). Last evaluated 2024-08-01.

Conditions:
Hereditary cancer-predisposing syndrome. Also called: Tumor predisposition; Hereditary neoplastic syndrome; Neoplastic Syndromes, Hereditary; Hereditary Cancer Syndrome. Identifiers: Orphanet 140162, MedGen C0027672, MeSH D009386, MONDO:0015356.

gnomAD v4.1: 1 of 1,614,228 alleles (0.000062%); highest among the groups gnomAD compares: African/African-American, 0.0013%; no homozygotes.

Submissions (2):

Labcorp Genetics (formerly Invitae), Labcorp
Classification: Uncertain significance. Last evaluated: 2024-08-01. Review status: criteria provided, single submitter. Criteria: Invitae Variant Classification Sherloc (09022015). Collection method: clinical testing. Allele origin: germline.
Comment: This sequence change replaces glutamine, which is neutral and polar, with histidine, which is basic and polar, at codon 1475 of the POLE protein (p.Gln1475His). This variant is not present in population databases (gnomAD no frequency). This variant has not been reported in the literature in individuals affected with POLE-related conditions. ClinVar contains an entry for this variant (Variation ID: 1361417). Advanced modeling of protein sequence and biophysical properties (such as structural, functional, and spatial information, amino acid conservation, physicochemical variation, residue mobility, and thermodynamic stability) performed at Invitae indicates that this missense variant is not expected to disrupt POLE protein function with a negative predictive value of 80%. In summary, the available evidence is currently insufficient to determine the role of this variant in disease. Therefore, it has been classified as a Variant of Uncertain Significance.

Ambry Genetics
Classification: Uncertain significance for Hereditary cancer-predisposing syndrome. Last evaluated: 2022-10-15. Review status: criteria provided, single submitter. Criteria: Ambry Variant Classification Scheme 2023. Collection method: clinical testing. Allele origin: germline.
Comment: The p.Q1475H variant (also known as c.4425G>T), located in coding exon 34 of the POLE gene, results from a G to T substitution at nucleotide position 4425. The glutamine at codon 1475 is replaced by histidine, an amino acid with highly similar properties. This amino acid position is conserved. In addition, this alteration is predicted to be tolerated by in silico analysis. Since supporting evidence is limited at this time, the clinical significance of this alteration remains unclear.